The following is an entry in ClinVar:

ClinVar aggregate classification (germline): Uncertain significance (1 of 4 stars; one submission).

Conditions:
Genitopatellar syndrome (GTPTS). Also called: ABSENT PATELLAE, SCROTAL HYPOPLASIA, RENAL ANOMALIES, FACIAL DYSMORPHISM, AND MENTAL RETARDATION; Genitopatellar syndrome (GPS). Identifiers: Orphanet 85201, MedGen C1853566, MONDO:0011640, OMIM 606170.

Submission:

Labcorp Genetics (formerly Invitae), Labcorp
Classification: Uncertain significance for Genitopatellar syndrome. Last evaluated: 2023-07-18. Review status: criteria provided, single submitter. Criteria: Invitae Variant Classification Sherloc (09022015). Collection method: clinical testing. Allele origin: germline.
Comment: This sequence change replaces serine, which is neutral and polar, with isoleucine, which is neutral and non-polar, at codon 178 of the KAT6B protein (p.Ser178Ile). This variant is not present in population databases (gnomAD no frequency). This variant has not been reported in the literature in individuals affected with KAT6B-related conditions. Advanced modeling of protein sequence and biophysical properties (such as structural, functional, and spatial information, amino acid conservation, physicochemical variation, residue mobility, and thermodynamic stability) performed at Invitae indicates that this missense variant is not expected to disrupt KAT6B protein function. In summary, the available evidence is currently insufficient to determine the role of this variant in disease. Therefore, it has been classified as a Variant of Uncertain Significance.

NM_012330.4(KAT6B):c.533G>T (p.Ser178Ile)

Gene: KAT6B (lysine acetyltransferase 6B; plus strand). Cytogenetic location: 10q22.2.
Variant type: single nucleotide variant.
Coding change: c.533G>T on transcript NM_012330.4 (MANE Select); coding-DNA position 533, G replaced by T.
Protein change: p.Ser178Ile; replaces serine 178 with isoleucine.
Molecular consequence: missense variant. On other transcripts: 5 prime UTR variant (2).
Genome position (GRCh38, 1-based): chr10:74,843,390, G>T. VCF-style: chr10-74843390-G-T. GRCh37 (hg19) VCF-style: chr10-76603148-G-T.
Other names: c.-6G>T (NM_001370134.1, NM_001370135.1); c.533G>T, p.Ser178Ile (NM_001370136.1, NM_001370137.1, NM_001370138.1 and 10 more transcripts); short protein forms S178I.
Identifiers: ClinVar variation 2744828 (VCV002744828.3), dbSNP rs2548336469, ClinGen allele CA377400247.